The following is an entry in ClinVar:

NM_004281.4(BAG3):c.1093A>C (p.Lys365Gln)

Gene: BAG3 (BAG cochaperone 3; plus strand). Cytogenetic location: 10q26.11.
Variant type: single nucleotide variant.
Coding change: c.1093A>C on transcript NM_004281.4 (MANE Select); coding-DNA position 1093, A replaced by C.
Protein change: p.Lys365Gln; replaces lysine 365 with glutamine.
Molecular consequence: missense variant.
Genome position (GRCh38, 1-based): chr10:119,676,647, A>C. VCF-style: chr10-119676647-A-C. GRCh37 (hg19) VCF-style: chr10-121436159-A-C.
Other names: short protein forms K365Q.
Identifiers: ClinVar variation 2933976 (VCV002933976.3), dbSNP rs980893520, ClinGen allele CA214224884.
Genomic context (GRCh38, chr10:119,676,647, plus strand): 5'-GAGGTGGATTCTAAACCTGTTTCCCAGAAGCCCCCACCTCCCTCTGAGAAGGTAGAGGTG[A>C]AAGTTCCCCCTGCTCCAGTTCCTTGTCCTCCTCCCAGCCCTGGCCCTTCTGCTGTCCCCT-3'
Protein context (NP_004272.2, residues 355-375): PPPPSEKVEV[Lys365Gln]VPPAPVPCPP

ClinVar aggregate classification (germline): Uncertain significance (1 of 4 stars; one submission).

Conditions:
Myofibrillar myopathy 6. Identifiers: Orphanet 199340, MedGen C2751831, MONDO:0013061, OMIM 612954.
Dilated cardiomyopathy 1HH (CMD1HH). Identifiers: Orphanet 154, MedGen C3151293, MONDO:0013479, OMIM 613881.

gnomAD v4.1: 2 of 1,614,134 alleles (0.00012%); highest among the groups gnomAD compares: Non-Finnish European, 0.00017%; no homozygotes.

Submission:

Labcorp Genetics (formerly Invitae), Labcorp
Classification: Uncertain significance for Dilated cardiomyopathy 1HH; Myofibrillar myopathy 6. Last evaluated: 2025-08-10. Review status: criteria provided, single submitter. Criteria: Invitae Variant Classification Sherloc (09022015). Collection method: clinical testing. Allele origin: germline.
Comment: This sequence change replaces lysine, which is basic and polar, with glutamine, which is neutral and polar, at codon 365 of the BAG3 protein (p.Lys365Gln). This variant is not present in population databases (gnomAD no frequency). This variant has not been reported in the literature in individuals affected with BAG3-related conditions. ClinVar contains an entry for this variant (Variation ID: 2933976). Invitae Evidence Modeling of protein sequence and biophysical properties (such as structural, functional, and spatial information, amino acid conservation, physicochemical variation, residue mobility, and thermodynamic stability) indicates that this missense variant is not expected to disrupt BAG3 protein function with a negative predictive value of 80%. In summary, the available evidence is currently insufficient to determine the role of this variant in disease. Therefore, it has been classified as a Variant of Uncertain Significance.